The following is an entry in ClinVar:

NM_001244926.2(PRPF4):c.1372+1G>A

Gene: PRPF4 (pre-mRNA splicing tri-snRNP complex factor PRPF4; plus strand). Cytogenetic location: 9q32.
Variant type: single nucleotide variant.
Coding change: c.1372+1G>A on transcript NM_001244926.2 (MANE Select); the canonical splice donor site of the intron after coding-DNA position 1372, G replaced by A.
Molecular consequence: splice donor variant.
Genome position (GRCh38, 1-based): chr9:113,291,017, G>A. VCF-style: chr9-113291017-G-A. GRCh37 (hg19) VCF-style: chr9-116053297-G-A.
Other names: c.646+1G>A (NM_001322267.2, NM_001322266.2); c.1375+1G>A (NM_004697.5).
Identifiers: ClinVar variation 3622739 (VCV003622739.3).
Genomic context (GRCh38, chr9:113,291,017, plus strand): 5'-GGCGTTGCGTCTACACCATCCCTGCTCATCAGAACTTAGTGACTGGTGTCAAGTTTGAGC[G>A]TAAGCTTTCCTCCTATTTTACGTCTAAATGACACAGACAAACAGTATTGTGTTCCCGTGG-3'

ClinVar aggregate classification (germline): Uncertain significance (1 of 4 stars; one submission).

Submissions (2):

Labcorp Genetics (formerly Invitae), Labcorp
Classification: Uncertain significance. Last evaluated: 2024-05-12. Review status: criteria provided, single submitter. Criteria: Invitae Variant Classification Sherloc (09022015). Collection method: clinical testing. Allele origin: germline.
Comment: This sequence change falls in intron 13 of the PRPF4 gene. It does not directly change the encoded amino acid sequence of the PRPF4 protein. It affects a nucleotide within the consensus splice site. This variant is present in population databases (no rsID available, gnomAD 0.0009%). This variant has not been reported in the literature in individuals affected with PRPF4-related conditions. Variants that disrupt the consensus splice site are a relatively common cause of aberrant splicing (PMID: 17576681, 9536098). Algorithms developed to predict the effect of sequence changes on RNA splicing suggest that this variant may disrupt the consensus splice site. In summary, the available evidence is currently insufficient to determine the role of this variant in disease. Therefore, it has been classified as a Variant of Uncertain Significance.

Dr. Peter K. Rogan Lab, Western University
No classification provided (evidence only). Condition: Colon adenocarcinoma. Review status: no classification provided. Collection method: in vitro. Allele origin: not applicable. Functional consequence: retained intron. Not counted in ClinVar's aggregate classification.

Literature cited by the submitters: PubMed 17576681 (cited by Labcorp Genetics (formerly Invitae), Labcorp); PubMed 9536098 (cited by Labcorp Genetics (formerly Invitae), Labcorp).